The following is an entry in ClinVar:

NM_000404.4(GLB1):c.278C>A (p.Pro93Gln)

Gene: GLB1 (galactosidase beta 1; minus strand). Cytogenetic location: 3p22.3.
Variant type: single nucleotide variant.
Coding change: c.278C>A on transcript NM_000404.4 (MANE Select); coding-DNA position 278, C replaced by A.
Protein change: p.Pro93Gln; replaces proline 93 with glutamine.
Molecular consequence: missense variant. On other transcripts: intron variant (1).
Genome position (GRCh38, 1-based): chr3:33,068,938, G>T on the plus strand (C>A on the coding strand, the complement: GLB1 is on the minus strand). VCF-style: chr3-33068938-G-T. GRCh37 (hg19) VCF-style: chr3-33110430-G-T.
Other names: c.188C>A, p.Pro63Gln (NM_001079811.3); c.422C>A, p.Pro141Gln (NM_001317040.2); c.278C>A, p.Pro93Gln (NM_001393580.1); c.246-3381C>A (NM_001135602.3); short protein forms P63Q, P141Q, P93Q.
Identifiers: ClinVar variation 2119492 (VCV002119492.1), dbSNP rs2471438069, ClinGen allele CA351995277.

ClinVar aggregate classification (germline): Uncertain significance (1 of 4 stars; one submission).

Conditions:
Mucopolysaccharidosis, MPS-IV-B (MPS4B). Also called: Mucopolysaccharidosis type IV B; Mucopolysaccharidosis Type IVB; Mucopolysaccharidosis type IVB (Morquio); MPS IVB; MORQUIO SYNDROME B; Mucopolysaccharidosis Type IVB (Morquio B Disease). Identifiers: Orphanet 309310, Orphanet 582, MedGen C0086652, MONDO:0009660, OMIM 253010.
GM1 gangliosidosis. Identifiers: Orphanet 354, MedGen C0085131, MONDO:0018149.

Submission:

Labcorp Genetics (formerly Invitae), Labcorp
Classification: Uncertain significance for Mucopolysaccharidosis, MPS-IV-B; GM1 gangliosidosis. Last evaluated: 2022-08-15. Review status: criteria provided, single submitter. Criteria: Invitae Variant Classification Sherloc (09022015). Collection method: clinical testing. Allele origin: germline.
Comment: This sequence change replaces proline, which is neutral and non-polar, with glutamine, which is neutral and polar, at codon 93 of the GLB1 protein (p.Pro93Gln). This variant is not present in population databases (gnomAD no frequency). This variant has not been reported in the literature in individuals affected with GLB1-related conditions. Algorithms developed to predict the effect of missense changes on protein structure and function (SIFT, PolyPhen-2, Align-GVGD) all suggest that this variant is likely to be tolerated. In summary, the available evidence is currently insufficient to determine the role of this variant in disease. Therefore, it has been classified as a Variant of Uncertain Significance.